The following is an entry in ClinVar:

ClinVar aggregate classification (germline): Uncertain significance (1 of 4 stars; one submission).

Conditions:
Developmental and epileptic encephalopathy. Identifiers: MedGen C5779964, MONDO:0100620.

Allele frequency attached by ClinVar (database versions not stated): gnomAD exomes 0.00002 and 0.00005; ExAC 0.00006; TOPMed 0.00011; gnomAD 0.00012 and 0.00013; ESP Exome Variant Server 0.00015; 1000 Genomes Project 30x 0.00016; 1000 Genomes Project 0.00020.
gnomAD v4.1: 50 of 1,613,044 alleles (0.0031%); highest among the groups gnomAD compares: Middle Eastern, 0.05%; no homozygotes.

Submission:

Labcorp Genetics (formerly Invitae), Labcorp
Classification: Uncertain significance for Early-infantile DEE. Last evaluated: 2023-11-01. Review status: criteria provided, single submitter. Criteria: Invitae Variant Classification Sherloc (09022015). Collection method: clinical testing. Allele origin: germline.
Comment: This sequence change replaces arginine, which is basic and polar, with glutamine, which is neutral and polar, at codon 594 of the CACNA2D2 protein (p.Arg594Gln). This variant is present in population databases (rs146908394, gnomAD 0.05%). This variant has not been reported in the literature in individuals affected with CACNA2D2-related conditions. ClinVar contains an entry for this variant (Variation ID: 639351). An algorithm developed to predict the effect of missense changes on protein structure and function (PolyPhen-2) suggests that this variant is likely to be disruptive. In summary, the available evidence is currently insufficient to determine the role of this variant in disease. Therefore, it has been classified as a Variant of Uncertain Significance.

NM_006030.4(CACNA2D2):c.1781G>A (p.Arg594Gln)

Gene: CACNA2D2 (calcium voltage-gated channel auxiliary subunit alpha2delta 2; minus strand). Cytogenetic location: 3p21.31.
Variant type: single nucleotide variant.
Coding change: c.1781G>A on transcript NM_006030.4 (MANE Select); coding-DNA position 1781, G replaced by A.
Protein change: p.Arg594Gln; replaces arginine 594 with glutamine.
Molecular consequence: missense variant.
Genome position (GRCh38, 1-based): chr3:50,375,873, C>T on the plus strand (G>A on the coding strand, the complement: CACNA2D2 is on the minus strand). VCF-style: chr3-50375873-C-T. GRCh37 (hg19) VCF-style: chr3-50413304-C-T.
Other names: c.1781G>A, p.Arg594Gln (NM_001005505.3, NM_001174051.3); c.1574G>A, p.Arg525Gln (NM_001291101.1); short protein forms R525Q, R594Q.
Identifiers: ClinVar variation 639351 (VCV000639351.7), dbSNP rs146908394, ClinGen allele CA2418729.